The following is an entry in ClinVar:

ClinVar aggregate classification (germline): Uncertain significance (1 of 4 stars; one submission).

Conditions:
Alacrima, achalasia, and impaired intellectual development syndrome. Also called: Alacrima, achalasia, and mental retardation syndrome; Alacrima, achalasia, and intellectual disability syndrome. Identifiers: Orphanet 869, MedGen C4706563, MONDO:0014219, OMIM 615510.

Allele frequency attached by ClinVar (database versions not stated): gnomAD exomes 0.00008; gnomAD 0.00009; 1000 Genomes Project 0.00020; ExAC 0.00008; ESP Exome Variant Server 0.00015; TOPMed 0.00009; 1000 Genomes Project 30x 0.00016.

Submission:

Labcorp Genetics (formerly Invitae), Labcorp
Classification: Uncertain significance for Alacrima, achalasia, and impaired intellectual development syndrome. Last evaluated: 2023-05-22. Review status: criteria provided, single submitter. Criteria: Invitae Variant Classification Sherloc (09022015). Collection method: clinical testing. Allele origin: germline.
Comment: This sequence change replaces alanine, which is neutral and non-polar, with threonine, which is neutral and polar, at codon 293 of the GMPPA protein (p.Ala293Thr). This variant is present in population databases (rs151043830, gnomAD 0.09%). This variant has not been reported in the literature in individuals affected with GMPPA-related conditions. ClinVar contains an entry for this variant (Variation ID: 1511740). Advanced modeling of protein sequence and biophysical properties (such as structural, functional, and spatial information, amino acid conservation, physicochemical variation, residue mobility, and thermodynamic stability) performed at Invitae indicates that this missense variant is not expected to disrupt GMPPA protein function. In summary, the available evidence is currently insufficient to determine the role of this variant in disease. Therefore, it has been classified as a Variant of Uncertain Significance.

NM_013335.4(GMPPA):c.877G>A (p.Ala293Thr)

Genes: ASIC4-AS1 (ASIC4 antisense RNA 1; minus strand), GMPPA (GDP-mannose pyrophosphorylase A; plus strand). Cytogenetic location: 2q35.
Variant type: single nucleotide variant.
Coding change: c.877G>A on transcript NM_013335.4 (MANE Select); coding-DNA position 877, G replaced by A.
Protein change: p.Ala293Thr; replaces alanine 293 with threonine.
Molecular consequence: missense variant.
Genome position (GRCh38, 1-based): chr2:219,505,738, G>A. VCF-style: chr2-219505738-G-A. GRCh37 (hg19) VCF-style: chr2-220370460-G-A.
Other names: c.877G>A, p.Ala293Thr (NM_001374294.1, NM_001374295.1, NM_205847.3); short protein forms A293T.
Identifiers: ClinVar variation 1511740 (VCV001511740.6), dbSNP rs151043830, ClinGen allele CA2128336.